The following is an entry in ClinVar:

ClinVar aggregate classification (germline): Uncertain significance (1 of 4 stars; one submission).

Allele frequency attached by ClinVar (database versions not stated): gnomAD exomes 0.00001.
gnomAD v4.1: 6 of 1,614,238 alleles (0.00037%); highest among the groups gnomAD compares: East Asian, 0.0045%; no homozygotes.

Submission:

Labcorp Genetics (formerly Invitae), Labcorp
Classification: Uncertain significance. Last evaluated: 2022-03-04. Review status: criteria provided, single submitter. Criteria: Invitae Variant Classification Sherloc (09022015). Collection method: clinical testing. Allele origin: germline.
Comment: Algorithms developed to predict the effect of missense changes on protein structure and function are either unavailable or do not agree on the potential impact of this missense change (SIFT: "Not Available"; PolyPhen-2: "Benign"; Align-GVGD: "Not Available"). This sequence change replaces glycine, which is neutral and non-polar, with glutamic acid, which is acidic and polar, at codon 22 of the NDUFA6 protein (p.Gly22Glu). This variant is not present in population databases (gnomAD no frequency). This variant has not been reported in the literature in individuals affected with NDUFA6-related conditions. In summary, the available evidence is currently insufficient to determine the role of this variant in disease. Therefore, it has been classified as a Variant of Uncertain Significance.

NM_002490.6(NDUFA6):c.-14G>A

Gene: NDUFA6 (NADH:ubiquinone oxidoreductase subunit A6; minus strand). Cytogenetic location: 22q13.2.
Variant type: single nucleotide variant.
Coding change: c.-14G>A on transcript NM_002490.6 (MANE Select); 14 bases upstream of the start codon, G replaced by A.
Molecular consequence: 5 prime UTR variant.
Genome position (GRCh38, 1-based): chr22:42,090,758, C>T on the plus strand (G>A on the coding strand, the complement: NDUFA6 is on the minus strand). VCF-style: chr22-42090758-C-T. GRCh37 (hg19) VCF-style: chr22-42486762-C-T.
Identifiers: ClinVar variation 2042050 (VCV002042050.4), dbSNP rs1568993245, ClinGen allele CA411776779.
Genomic context (GRCh38, chr22:42,090,758, plus strand): 5'-AAGGTGCTGGCGGTAGAAGTAGCTTGGCGGACGCCGCTCCCCGCCATCTTGCCAAAGCAT[C>T]CACTCCACAACCCCACCCCTTTGCAAGCAGCGCGTGCGGACCGCGGGCGAATGTCTTTTC-3'